The following is an entry in ClinVar:

ClinVar aggregate classification (germline): Uncertain significance. Review status: criteria provided, multiple submitters, no conflicts (2 of 4 stars). 2 submissions from 2 submitters: Uncertain significance (2). Last evaluated 2025-08-08.

gnomAD v4.1: 3 of 1,604,030 alleles (0.00019%); highest among the groups gnomAD compares: Non-Finnish European, 0.00026%; no homozygotes.

Submissions (2):

Ambry Genetics
Classification: Uncertain significance. Last evaluated: 2025-08-08. Review status: criteria provided, single submitter. Criteria: Ambry Variant Classification Scheme 2023. Collection method: clinical testing. Allele origin: germline.

Labcorp Genetics (formerly Invitae), Labcorp
Classification: Uncertain significance. Last evaluated: 2024-10-15. Review status: criteria provided, single submitter. Criteria: Invitae Variant Classification Sherloc (09022015). Collection method: clinical testing. Allele origin: germline.
Comment: This sequence change replaces proline, which is neutral and non-polar, with serine, which is neutral and polar, at codon 576 of the SAMD11 protein (p.Pro576Ser). This variant is not present in population databases (gnomAD no frequency). This variant has not been reported in the literature in individuals affected with SAMD11-related conditions. ClinVar contains an entry for this variant (Variation ID: 961202). An algorithm developed to predict the effect of missense changes on protein structure and function (PolyPhen-2) suggests that this variant is likely to be disruptive. In summary, the available evidence is currently insufficient to determine the role of this variant in disease. Therefore, it has been classified as a Variant of Uncertain Significance.

NM_001385641.1(SAMD11):c.2215C>T (p.Pro739Ser)

Gene: SAMD11 (sterile alpha motif domain containing 11; plus strand). Cytogenetic location: 1p36.33.
Variant type: single nucleotide variant.
Coding change: c.2215C>T on transcript NM_001385641.1 (MANE Select); coding-DNA position 2215, C replaced by T.
Protein change: p.Pro739Ser; replaces proline 739 with serine.
Molecular consequence: missense variant.
Genome position (GRCh38, 1-based): chr1:943,734, C>T. VCF-style: chr1-943734-C-T. GRCh37 (hg19) VCF-style: chr1-879114-C-T.
Other names: c.2218C>T, p.Pro740Ser (NM_001385640.1); c.1726C>T, p.Pro576Ser (NM_152486.4); short protein forms P576S, P739S, P740S.
Identifiers: ClinVar variation 961202 (VCV000961202.12), dbSNP rs1353793000, ClinGen allele CA337816693.